The following is an entry in ClinVar:

ClinVar aggregate classification (germline): Likely benign (1 of 4 stars; one submission).

Conditions:
Monogenic diabetes. Identifiers: Orphanet 183625, MedGen C3888631, MONDO:0015967.

Submission:

Personalized Diabetes Medicine Program, University of Maryland School of Medicine
Classification: Likely benign for Monogenic diabetes. Last evaluated: 2018-10-26. Review status: criteria provided, single submitter. Criteria: ACMG Guidelines, 2015. Collection method: research. Allele origin: unknown. Observed: 1 variant allele, 1 heterozygote.
Comment: ACMG criteria: PM2, BP5, BP1 (truncating variants associated with MODY, PMID 29026101) = LB; in cis with R652Q; REVEL 0.513 + PP3/8 predictors + BP4/2 predictors = conflicting evidence, not using

Literature cited by the submitters: PubMed 29026101.

NM_173560.4(RFX6):c.1930C>T (p.Pro644Ser)

Gene: RFX6 (regulatory factor X6; plus strand). Cytogenetic location: 6q22.1.
Variant type: single nucleotide variant.
Coding change: c.1930C>T on transcript NM_173560.4 (MANE Select); coding-DNA position 1930, C replaced by T.
Protein change: p.Pro644Ser; replaces proline 644 with serine.
Molecular consequence: missense variant.
Genome position (GRCh38, 1-based): chr6:116,927,071, C>T. VCF-style: chr6-116927071-C-T. GRCh37 (hg19) VCF-style: chr6-117248234-C-T.
Other names: short protein forms P644S.
Identifiers: ClinVar variation 917474 (VCV000917474.1), dbSNP rs762488509, ClinGen allele CA365435207.